The following is an entry in ClinVar:

NM_004563.4(PCK2):c.1421T>C (p.Val474Ala)

Genes: NRL (neural retina leucine zipper; minus strand), PCK2 (phosphoenolpyruvate carboxykinase 2, mitochondrial; plus strand). Cytogenetic location: 14q12.
Variant type: single nucleotide variant.
Coding change: c.1421T>C on transcript NM_004563.4 (MANE Select); coding-DNA position 1421, T replaced by C.
Protein change: p.Val474Ala; replaces valine 474 with alanine.
Molecular consequence: missense variant. On other transcripts: intron variant (3).
Genome position (GRCh38, 1-based): chr14:24,103,208, T>C. VCF-style: chr14-24103208-T-C. GRCh37 (hg19) VCF-style: chr14-24572417-T-C.
Other names: c.1019T>C, p.Val340Ala (NM_001291556.2, NM_001308054.2); c.-28+11514A>G (NM_001354768.3, NM_001354770.2); c.-254+11514A>G (NM_006177.5); short protein forms V340A, V474A.
Identifiers: ClinVar variation 2455300 (VCV002455300.3), dbSNP rs748383162, ClinGen allele CA7123487.

ClinVar aggregate classification (germline): Uncertain significance. Review status: criteria provided, multiple submitters, no conflicts (2 of 4 stars). 2 submissions from 2 submitters: Uncertain significance (2). Last evaluated 2025-04-15.

gnomAD v4.1: 8 of 1,614,142 alleles (0.0005%); highest among the groups gnomAD compares: Non-Finnish European, 0.00068%; no homozygotes.

Submissions (2):

Labcorp Genetics (formerly Invitae), Labcorp
Classification: Uncertain significance. Last evaluated: 2025-04-15. Review status: criteria provided, single submitter. Criteria: Invitae Variant Classification Sherloc (09022015). Collection method: clinical testing. Allele origin: germline.
Comment: This sequence change replaces valine, which is neutral and non-polar, with alanine, which is neutral and non-polar, at codon 474 of the PCK2 protein (p.Val474Ala). This variant is present in population databases (rs748383162, gnomAD 0.002%). This variant has not been reported in the literature in individuals affected with PCK2-related conditions. ClinVar contains an entry for this variant (Variation ID: 2455300). Invitae Evidence Modeling of protein sequence and biophysical properties (such as structural, functional, and spatial information, amino acid conservation, physicochemical variation, residue mobility, and thermodynamic stability) indicates that this missense variant is not expected to disrupt PCK2 protein function with a negative predictive value of 80%. In summary, the available evidence is currently insufficient to determine the role of this variant in disease. Therefore, it has been classified as a Variant of Uncertain Significance.

Ambry Genetics
Classification: Uncertain significance. Last evaluated: 2023-02-01. Review status: criteria provided, single submitter. Criteria: Ambry Variant Classification Scheme 2023. Collection method: clinical testing. Allele origin: germline.